The following is an entry in ClinVar:

ClinVar aggregate classification (germline): Pathogenic (1 of 4 stars; one submission).

Submission:

Labcorp Genetics (formerly Invitae), Labcorp
Classification: Pathogenic. Last evaluated: 2025-12-20. Review status: criteria provided, single submitter. Criteria: Invitae Variant Classification Sherloc (09022015). Collection method: clinical testing. Allele origin: germline.
Comment: This sequence change creates a premature translational stop signal (p.Glu314Glyfs*52) in the AARS2 gene. It is expected to result in an absent or disrupted protein product. Loss-of-function variants in AARS2 are known to be pathogenic (PMID: 24808023, 30285085, 30819764). This variant is present in population databases (no rsID available, gnomAD 0.0009%). This variant has not been reported in the literature in individuals affected with AARS2-related conditions. Algorithms developed to predict the effect of sequence changes on RNA splicing suggest that this variant may disrupt the consensus splice site. For these reasons, this variant has been classified as Pathogenic.

Literature cited by the submitters: PubMed 24808023; PubMed 30285085; PubMed 30819764.

NM_020745.4(AARS2):c.941del (p.Glu314fs)

Gene: AARS2 (alanyl-tRNA synthetase 2, mitochondrial; minus strand). Cytogenetic location: 6p21.1.
Variant type: Deletion.
Coding change: c.941del on transcript NM_020745.4 (MANE Select); coding-DNA position 941, one base deleted (A; older notation c.941delA).
Protein change: p.Glu314fs; shifts the reading frame from glutamic acid 314.
Molecular consequence: frameshift variant.
Genome position (GRCh38, 1-based): chr6:44,307,348, T deleted on the plus strand (A on the coding strand, the reverse complement: AARS2 is on the minus strand). VCF-style (leftmost placement, unchanged base first): chr6-44307347-CT-C. GRCh37 (hg19) VCF-style: chr6-44275084-CT-C.
Other names: short protein forms E314fs.
Identifiers: ClinVar variation 4778355 (VCV004778355.1).